The following is an entry in ClinVar:

ClinVar aggregate classification (germline): Uncertain significance. Review status: criteria provided, multiple submitters, no conflicts (2 of 4 stars). 2 submissions from 2 submitters: Uncertain significance (2). Last evaluated 2025-11-06.

Conditions:
Inborn genetic diseases. Identifiers: MedGen C0950123, MeSH D030342.

Allele frequency attached by ClinVar (database versions not stated): TOPMed 0.00001; gnomAD 0.00003.
gnomAD v4.1: 17 of 1,608,876 alleles (0.0011%); highest among the groups gnomAD compares: African/African-American, 0.0053%; no homozygotes.

Submissions (2):

Ambry Genetics
Classification: Uncertain significance for Inborn genetic diseases. Last evaluated: 2025-11-06. Review status: criteria provided, single submitter. Criteria: Ambry Variant Classification Scheme 2023. Collection method: clinical testing. Allele origin: germline.

Labcorp Genetics (formerly Invitae), Labcorp
Classification: Uncertain significance. Last evaluated: 2022-04-14. Review status: criteria provided, single submitter. Criteria: Invitae Variant Classification Sherloc (09022015). Collection method: clinical testing. Allele origin: germline.
Comment: In summary, the available evidence is currently insufficient to determine the role of this variant in disease. Therefore, it has been classified as a Variant of Uncertain Significance. Algorithms developed to predict the effect of missense changes on protein structure and function are either unavailable or do not agree on the potential impact of this missense change (SIFT: "Tolerated"; PolyPhen-2: "Possibly Damaging"; Align-GVGD: "Class C0"). This variant has not been reported in the literature in individuals affected with CHMP1A-related conditions. This variant is present in population databases (no rsID available, gnomAD 0.005%). This sequence change replaces valine, which is neutral and non-polar, with isoleucine, which is neutral and non-polar, at codon 124 of the CHMP1A protein (p.Val124Ile).

NM_002768.5(CHMP1A):c.370G>A (p.Val124Ile)

Gene: CHMP1A (charged multivesicular body protein 1A; minus strand). Cytogenetic location: 16q24.3.
Variant type: single nucleotide variant.
Coding change: c.370G>A on transcript NM_002768.5 (MANE Select); coding-DNA position 370, G replaced by A.
Protein change: p.Val124Ile; replaces valine 124 with isoleucine.
Molecular consequence: missense variant. On other transcripts: non-coding transcript variant (1).
Genome position (GRCh38, 1-based): chr16:89,647,214, C>T on the plus strand (G>A on the coding strand, the complement: CHMP1A is on the minus strand). VCF-style: chr16-89647214-C-T. GRCh37 (hg19) VCF-style: chr16-89713622-C-T.
Other names: c.350G>A, p.Arg117His (NM_001083314.4); c.350G>A (NM_001083314.1); short protein forms R117H, V124I.
Identifiers: ClinVar variation 1940824 (VCV001940824.5), dbSNP rs963695089, ClinGen allele CA286550296.